The following is an entry in ClinVar:

NM_000521.4(HEXB):c.1133C>T (p.Thr378Ile)

Gene: HEXB (hexosaminidase subunit beta; plus strand). Cytogenetic location: 5q13.3.
Variant type: single nucleotide variant.
Coding change: c.1133C>T on transcript NM_000521.4 (MANE Select); coding-DNA position 1133, C replaced by T.
Protein change: p.Thr378Ile; replaces threonine 378 with isoleucine.
Molecular consequence: missense variant.
Genome position (GRCh38, 1-based): chr5:74,716,637, C>T. VCF-style: chr5-74716637-C-T. GRCh37 (hg19) VCF-style: chr5-74012462-C-T.
Other names: c.1133C>T (NM_000521.3); c.458C>T, p.Thr153Ile (NM_001292004.2); short protein forms T153I, T378I.
Identifiers: ClinVar variation 1938968 (VCV001938968.3), dbSNP rs2478760277, ClinGen allele CA360069255.

ClinVar aggregate classification (germline): Uncertain significance. Review status: criteria provided, multiple submitters, no conflicts (2 of 4 stars). 2 submissions from 2 submitters: Uncertain significance (2). Last evaluated 2025-06-03.

Conditions:
Inborn genetic diseases. Identifiers: MedGen C0950123, MeSH D030342.
Sandhoff disease. Also called: Beta-hexosaminidase-beta-subunit deficiency; GM2 gangliosidosis, type 2; Total hexosaminidase deficiency; Sandhoff-Jatzkewitz-Pilz disease; GM2-GANGLIOSIDOSIS, TYPE II; HEXOSAMINIDASES A AND B DEFICIENCY. Identifiers: Orphanet 796, MedGen C0036161, MONDO:0010006, OMIM 268800.

Allele frequency attached by ClinVar (database versions not stated): gnomAD exomes below 0.00001.
gnomAD v4.1: 2 of 1,609,650 alleles (0.00012%); highest among the groups gnomAD compares: Non-Finnish European, 0.00017%; no homozygotes.

Submissions (2):

Ambry Genetics
Classification: Uncertain significance for Inborn genetic diseases. Last evaluated: 2025-06-03. Review status: criteria provided, single submitter. Criteria: Ambry Variant Classification Scheme 2023. Collection method: clinical testing. Allele origin: germline.

Labcorp Genetics (formerly Invitae), Labcorp
Classification: Uncertain significance for Sandhoff disease. Last evaluated: 2022-01-04. Review status: criteria provided, single submitter. Criteria: Invitae Variant Classification Sherloc (09022015). Collection method: clinical testing. Allele origin: germline.
Comment: This sequence change replaces threonine, which is neutral and polar, with isoleucine, which is neutral and non-polar, at codon 378 of the HEXB protein (p.Thr378Ile). This variant is not present in population databases (gnomAD no frequency). This variant has not been reported in the literature in individuals affected with HEXB-related conditions. Advanced modeling of protein sequence and biophysical properties (such as structural, functional, and spatial information, amino acid conservation, physicochemical variation, residue mobility, and thermodynamic stability) performed at Invitae indicates that this missense variant is not expected to disrupt HEXB protein function. In summary, the available evidence is currently insufficient to determine the role of this variant in disease. Therefore, it has been classified as a Variant of Uncertain Significance.